The following is an entry in ClinVar:

NM_004656.4(BAP1):c.1840G>A (p.Gly614Arg)

Gene: BAP1 (BRCA1 associated deubiquitinase 1; minus strand). Cytogenetic location: 3p21.1.
Variant type: single nucleotide variant.
Coding change: c.1840G>A on transcript NM_004656.4 (MANE Select); coding-DNA position 1840, G replaced by A.
Protein change: p.Gly614Arg; replaces glycine 614 with arginine.
Molecular consequence: missense variant.
Genome position (GRCh38, 1-based): chr3:52,403,188, C>T on the plus strand (G>A on the coding strand, the complement: BAP1 is on the minus strand). VCF-style: chr3-52403188-C-T. GRCh37 (hg19) VCF-style: chr3-52437204-C-T.
Other names: short protein forms G614R.
Identifiers: ClinVar variation 575380 (VCV000575380.8), dbSNP rs746271680, ClinGen allele CA2436703.
Genomic context (GRCh38, chr3:52,403,188, plus strand): 5'-GGAGGCTCACCTTGGGTGAGTATTTCTCCCCACTCAAGGGCTCGCCAGGCCTCACCATCC[C>T]CGTCTTCTCTCTGCTGTCCGTGGCTTCCACGACCTCCTTCTCCACTGGGCTGCTGGACCC-3'
Protein context (NP_004647.1, residues 604-624): VEATDSREKT[Gly614Arg]MVRPGEPLSG

ClinVar aggregate classification (germline): Uncertain significance. Review status: criteria provided, multiple submitters, no conflicts (2 of 4 stars). 2 submissions from 2 submitters: Uncertain significance (2). Last evaluated 2022-04-22.

Conditions:
Hereditary cancer-predisposing syndrome. Also called: Tumor predisposition; Hereditary neoplastic syndrome; Hereditary Cancer Syndrome; Neoplastic Syndromes, Hereditary. Identifiers: Orphanet 140162, MedGen C0027672, MeSH D009386, MONDO:0015356.
BAP1-related tumor predisposition syndrome (TPDS1). Also called: Tumor susceptibility linked to germline BAP1 mutations; BAP1 tumor predisposition syndrome; COMMON Syndrome; TUMOR PREDISPOSITION SYNDROME 1. Identifiers: Orphanet 289539, MedGen C3280492, MONDO:0013692, OMIM 614327.

Allele frequency attached by ClinVar (database versions not stated): gnomAD exomes below 0.00001; ExAC 0.00001.
gnomAD v4.1: 2 of 1,614,172 alleles (0.00012%); highest among the groups gnomAD compares: Non-Finnish European, 0.000085%; no homozygotes.

Submissions (2):

Ambry Genetics
Classification: Uncertain significance for Hereditary cancer-predisposing syndrome. Last evaluated: 2022-04-22. Review status: criteria provided, single submitter. Criteria: Ambry Variant Classification Scheme 2023. Collection method: clinical testing. Allele origin: germline.
Comment: The p.G614R variant (also known as c.1840G>A), located in coding exon 14 of the BAP1 gene, results from a G to A substitution at nucleotide position 1840. The glycine at codon 614 is replaced by arginine, an amino acid with dissimilar properties. This amino acid position is conserved. In addition, the in silico prediction for this alteration is inconclusive. Since supporting evidence is limited at this time, the clinical significance of this alteration remains unclear.

Labcorp Genetics (formerly Invitae), Labcorp
Classification: Uncertain significance for BAP1-related tumor predisposition syndrome. Last evaluated: 2018-03-23. Review status: criteria provided, single submitter. Criteria: Invitae Variant Classification Sherloc (09022015). Collection method: clinical testing. Allele origin: germline.
Comment: This sequence change replaces glycine with arginine at codon 614 of the BAP1 protein (p.Gly614Arg). The glycine residue is moderately conserved and there is a moderate physicochemical difference between glycine and arginine. This variant is present in population databases (rs746271680, ExAC 0.01%). This variant has not been reported in the literature in individuals with BAP1-related disease. Algorithms developed to predict the effect of missense changes on protein structure and function do not agree on the potential impact of this missense change (SIFT: "Deleterious"; PolyPhen-2: "Benign"; Align-GVGD: "Class C0"). In summary, the available evidence is currently insufficient to determine the role of this variant in disease. Therefore, it has been classified as a Variant of Uncertain Significance.